The following is an entry in ClinVar:

NM_001282531.3(ADNP):c.2865_2868del (p.Ser955fs)

Gene: ADNP (activity dependent neuroprotector homeobox; minus strand). Cytogenetic location: 20q13.13.
Variant type: Deletion.
Coding change: c.2865_2868del on transcript NM_001282531.3 (MANE Select); coding-DNA positions 2865 to 2868, 4 bases deleted (TGAG; older notation c.2865_2868delTGAG).
Protein change: p.Ser955fs; shifts the reading frame from serine 955.
Molecular consequence: frameshift variant.
Genome position (GRCh38, 1-based): chr20:50,891,846-50,891,849, CTCA deleted on the plus strand (TGAG on the coding strand, the reverse complement: ADNP is on the minus strand); deleting any 4 consecutive bases within chr20:50,891,846-50,891,851 gives the same sequence; the c. name uses the placement nearest the transcript's 3' end. VCF-style (leftmost placement, unchanged base first): chr20-50891845-CCTCA-C. GRCh37 (hg19) VCF-style: chr20-49508382-CCTCA-C.
Other names: c.2865_2868del (NM_015339.2); c.2865_2868delTGAG (NM_015339.2, NM_001282531.2); c.2865_2868del, p.Ser955fs (NM_001282532.2, NM_001347511.2, NM_015339.5 and 1 more transcripts); short protein forms S955fs.
Identifiers: ClinVar variation 984844 (VCV000984844.9), dbSNP rs1980777288, ClinGen allele CA658653580.
Genomic context (GRCh38, chr20:50,891,845, plus strand): 5'-CAGGCCCACTCTCAGATGGAGAAGCACCGTCTTTCCACTCAACAACATCGTCTTGGTCAA[CCTCA>C]CTATCAGATGCATTGTGCATTAGTTTGGTTGGTTCCTCAGTCAAATGAATAGTTTCGTAT-3'

ClinVar aggregate classification (germline): Pathogenic/Likely pathogenic. Review status: criteria provided, multiple submitters, no conflicts (2 of 4 stars). 3 submissions from 3 submitters: Pathogenic (2); Likely pathogenic (1). Last evaluated 2024-11-14.

Conditions:
Inborn genetic diseases. Identifiers: MedGen C0950123, MeSH D030342.
ADNP-related multiple congenital anomalies - intellectual disability - autism spectrum disorder. Also called: ADNP-Related Helsmoortel-Van der Aa Syndrome; Helsmoortel-Van der Aa Syndrome. Identifiers: Orphanet 404448, MedGen C4014538, MONDO:0014379, OMIM 615873. Disease mechanism: loss of function.

Submissions (3):

Victorian Clinical Genetics Services, Murdoch Childrens Research Institute
Classification: Pathogenic for ADNP-related multiple congenital anomalies - intellectual disability - autism spectrum disorder. Last evaluated: 2024-11-14. Review status: criteria provided, single submitter. Criteria: ACMG Guidelines, 2015. Collection method: clinical testing. Allele origin: germline. Affected: yes.
Comment: This variant is classified as Pathogenic. Evidence in support of pathogenic classification: Variant is predicted to result in a truncated protein (premature termination codon is NOT located at least 54 nucleotides upstream of the final exon-exon junction) with less than 1/3 of the protein sequence affected; Variant is absent from gnomAD (v2, v3 and v4); This variant has strong previous evidence of pathogenicity in unrelated individuals. This variant has been classified as likely pathogenic/pathogenic by clinical laboratories in ClinVar; Other protein truncating variant(s) comparable to the one identified in this case have very strong previous evidence for pathogenicity (DECIPHER); Additional information: This variant is heterozygous; This gene is associated with autosomal dominant disease; Variant is not predicted to disrupt an established domain, motif, hotspot or informative constraint region; Loss of function is a known mechanism of disease in this gene and is associated with Helsmoortel-van der Aa syndrome (MIM#615873); The condition associated with this gene has incomplete penetrance. Two individuals with ADNP-related disorders have been reported to have inherited a pathogenic variant from an unaffected parent (PMID: 29724491).

GeneDx
Classification: Pathogenic. Last evaluated: 2022-02-18. Review status: criteria provided, single submitter. Criteria: GeneDx Variant Classification Process June 2021. Collection method: clinical testing. Allele origin: germline. Affected: yes.
Comment: Frameshift variant predicted to result in protein truncation as the last 148 amino acids are replaced with 35 different amino acids; Not observed at significant frequency in large population cohorts (gnomAD); This variant is associated with the following publications: (PMID: 28191890, 31332282, 32758449, 31981491, 25363760, 31785789, 28135719)

Ambry Genetics
Classification: Likely pathogenic for Inborn genetic diseases. Last evaluated: 2020-06-09. Review status: criteria provided, single submitter. Criteria: Ambry Variant Classification Scheme 2023. Collection method: clinical testing. Allele origin: germline.
Comment: The c.2865_2868delTGAG variant, located in coding exon 3 of the ADNP gene, results from a deletion of 4 nucleotides at nucleotide positions 2865 to 2868, causing a translational frameshift with a predicted alternate stop codon (p.S955Rfs*36). This variant was identified in two individuals with autism (Kosmicki JA et al. Nat. Genet., 2017 Apr;49:504-510; Gozes I et al. Transl Psychiatry, 2017 Jul;7:e1166). In addition to the clinical data presented in the literature, this alteration is expected to result in loss of function by premature protein truncation. As such, this alteration is interpreted as likely to be pathogenic.

Literature cited by the submitters: PubMed 29724491 (cited by Victorian Clinical Genetics Services, Murdoch Childrens Research Institute); PubMed 28191890 (cited by Ambry Genetics); PubMed 28675391 (cited by Ambry Genetics).